The following is an entry in ClinVar:

ClinVar aggregate classification (germline): Benign/Likely benign. Review status: criteria provided, multiple submitters, no conflicts (2 of 4 stars). 2 submissions from 2 submitters: Benign (1); Likely benign (1). Last evaluated 2026-01-28.

Conditions:
Duchenne muscular dystrophy (DMD). Also called: MUSCULAR DYSTROPHY, PSEUDOHYPERTROPHIC PROGRESSIVE, DUCHENNE TYPE; Duchenne Muscular Dystrophy (DMD). Identifiers: Orphanet 98896, MedGen C0013264, MONDO:0010679, OMIM 310200.

Submissions (2):

Labcorp Genetics (formerly Invitae), Labcorp
Classification: Benign for Duchenne muscular dystrophy. Last evaluated: 2026-01-28. Review status: criteria provided, single submitter. Criteria: Invitae Variant Classification Sherloc (09022015). Collection method: clinical testing. Allele origin: germline.

GeneDx
Classification: Likely benign. Last evaluated: 2018-01-16. Review status: criteria provided, single submitter. Criteria: GeneDx Variant Classification (06012015). Collection method: clinical testing. Allele origin: germline. Affected: yes.
Comment: This variant is considered likely benign or benign based on one or more of the following criteria: it is a conservative change, it occurs at a poorly conserved position in the protein, it is predicted to be benign by multiple in silico algorithms, and/or has population frequency not consistent with disease.

NM_004006.3(DMD):c.2169-19_2169-18del

Gene: DMD (dystrophin; minus strand). Cytogenetic location: Xp21.1.
Variant type: Deletion.
Coding change: c.2169-19_2169-18del on transcript NM_004006.3 (MANE Select); 19 bases into the intron before coding-DNA position 2169 through 18 bases into the intron before coding-DNA position 2169, 2 bases deleted (TT; older notation c.2169-19_2169-18delTT).
Molecular consequence: intron variant.
Genome position (GRCh38, 1-based): chrX:32,518,149-32,518,150, AA deleted on the plus strand (TT on the coding strand, the reverse complement: DMD is on the minus strand); deleting any 2 consecutive bases within chrX:32,518,149-32,518,152 gives the same sequence; the c. name uses the placement nearest the transcript's 3' end. VCF-style (leftmost placement, unchanged base first): chrX-32518148-TAA-T. GRCh37 (hg19) VCF-style: chrX-32536265-TAA-T.
Other names: c.2169-19_2169-18delTT (NM_004006.2); c.2145-19_2145-18del (NM_000109.4); c.2157-19_2157-18del (NM_004009.3); c.1800-19_1800-18del (NM_004010.3).
Identifiers: ClinVar variation 422556 (VCV000422556.9), dbSNP rs773183927, ClinGen allele CA10379610.